The following is an entry in ClinVar:

ClinVar aggregate classification (germline): Uncertain significance (1 of 4 stars; one submission).

Submission:

Women's Health and Genetics/Laboratory Corporation of America, LabCorp
Classification: Uncertain significance. Last evaluated: 2024-01-22. Review status: criteria provided, single submitter. Criteria: LabCorp Variant Classification Summary - May 2015. Collection method: clinical testing. Allele origin: germline.
Comment: Variant summary: The variant involves the duplication of exons 2-5 in the FARS2 gene. It is predicted to duplicate a segment including the initiation codon, therefore its impact on the encoded protein is unknown. A presumed nomenclature of c.(-22+1_-21-1)_(1065+1_1066-1)dup has been designated for the purposes of this classification. The variant was absent in 21694 control chromosomes (gnomAD). The available data on variant occurrences in the general population are insufficient to allow any conclusion about variant significance. To our knowledge, no occurrence of c.(-22+1_-21-1)_(1065+1_1066-1)dup in individuals affected with FARS2-Related Disorders and no experimental evidence demonstrating its impact on protein function have been reported. No submitters have cited clinical-significance assessments for this variant to ClinVar. Based on the evidence outlined above, the variant was classified as uncertain significance.

NC_000006.11:g.(5261894_5368782)_(5545574_5613401)dup

Gene: FARS2 (phenylalanyl-tRNA synthetase 2, mitochondrial; plus strand). Cytogenetic location: 6p25.1.
Variant type: Duplication.
Identifiers: ClinVar variation 3063625 (VCV003063625.1).